The following is an entry in ClinVar:

NM_001792.5(CDH2):c.112G>A (p.Glu38Lys)

Gene: CDH2 (cadherin 2; minus strand). Cytogenetic location: 18q12.1.
Variant type: single nucleotide variant.
Coding change: c.112G>A on transcript NM_001792.5 (MANE Select); coding-DNA position 112, G replaced by A.
Protein change: p.Glu38Lys; replaces glutamic acid 38 with lysine.
Molecular consequence: missense variant.
Genome position (GRCh38, 1-based): chr18:28,147,733, C>T on the plus strand (G>A on the coding strand, the complement: CDH2 is on the minus strand). VCF-style: chr18-28147733-C-T. GRCh37 (hg19) VCF-style: chr18-25727697-C-T.
Other names: short protein forms E38K.
Identifiers: ClinVar variation 2213691 (VCV002213691.5), dbSNP rs1274623800, ClinGen allele CA402244601.

ClinVar aggregate classification (germline): Uncertain significance. Review status: criteria provided, multiple submitters, no conflicts (2 of 4 stars). 2 submissions from 2 submitters: Uncertain significance (2). Last evaluated 2025-12-03.

Conditions:
Inborn genetic diseases. Identifiers: MedGen C0950123, MeSH D030342.

Allele frequency attached by ClinVar (database versions not stated): gnomAD 0.00001; TOPMed 0.00001.

Submissions (2):

Labcorp Genetics (formerly Invitae), Labcorp
Classification: Uncertain significance. Last evaluated: 2025-12-03. Review status: criteria provided, single submitter. Criteria: Invitae Variant Classification Sherloc (09022015). Collection method: clinical testing. Allele origin: germline.
Comment: This sequence change replaces glutamic acid, which is acidic and polar, with lysine, which is basic and polar, at codon 38 of the CDH2 protein (p.Glu38Lys). This variant is not present in population databases (gnomAD no frequency). This variant has not been reported in the literature in individuals affected with CDH2-related conditions. ClinVar contains an entry for this variant (Variation ID: 2213691). An algorithm developed to predict the effect of missense changes on protein structure and function (PolyPhen-2) suggests that this variant is likely to be tolerated. In summary, the available evidence is currently insufficient to determine the role of this variant in disease. Therefore, it has been classified as a Variant of Uncertain Significance.

Ambry Genetics
Classification: Uncertain significance for Inborn genetic diseases. Last evaluated: 2022-08-11. Review status: criteria provided, single submitter. Criteria: Ambry Variant Classification Scheme 2023. Collection method: clinical testing. Allele origin: germline.